The following is an entry in ClinVar:

ClinVar aggregate classification (germline): Uncertain significance (1 of 4 stars; one submission).

Conditions:
Hereditary cancer-predisposing syndrome. Also called: Tumor predisposition; Hereditary neoplastic syndrome; Neoplastic Syndromes, Hereditary; Hereditary Cancer Syndrome. Identifiers: Orphanet 140162, MedGen C0027672, MeSH D009386, MONDO:0015356.

Submission:

Ambry Genetics
Classification: Uncertain significance for Hereditary cancer-predisposing syndrome. Last evaluated: 2025-06-09. Review status: criteria provided, single submitter. Criteria: Ambry Variant Classification Scheme 2023. Collection method: clinical testing. Allele origin: germline.
Comment: The p.S165T variant (also known as c.493T>A), located in coding exon 4 of the DICER1 gene, results from a T to A substitution at nucleotide position 493. The serine at codon 165 is replaced by threonine, an amino acid with similar properties. This amino acid position is conserved. In addition, this alteration is predicted to be tolerated by in silico analysis. Based on the available evidence, the clinical significance of this variant remains unclear.

NM_177438.3(DICER1):c.493T>A (p.Ser165Thr)

Gene: DICER1 (dicer 1, ribonuclease III; minus strand). Cytogenetic location: 14q32.13.
Variant type: single nucleotide variant.
Coding change: c.493T>A on transcript NM_177438.3 (MANE Select); coding-DNA position 493, T replaced by A.
Protein change: p.Ser165Thr; replaces serine 165 with threonine.
Molecular consequence: missense variant. On other transcripts: non-coding transcript variant (6), intron variant (1), 5 prime UTR variant (1).
Genome position (GRCh38, 1-based): chr14:95,130,138, A>T on the plus strand (T>A on the coding strand, the complement: DICER1 is on the minus strand). VCF-style: chr14-95130138-A-T. GRCh37 (hg19) VCF-style: chr14-95596475-A-T.
Other names: c.-20-55T>A (NM_001395691.1); c.493T>A, p.Ser165Thr (NM_001195573.1, NM_001271282.3, NM_001291628.2 and 14 more transcripts); c.211T>A, p.Ser71Thr (NM_001395686.1); c.88T>A, p.Ser30Thr (NM_001395687.1, NM_001395688.1, NM_001395689.1 and 3 more transcripts); c.-1076T>A (NM_001395697.1); short protein forms S30T, S71T, S165T.
Identifiers: ClinVar variation 4011693 (VCV004011693.1).